The following is an entry in ClinVar:

ClinVar aggregate classification (germline): Likely benign. Review status: criteria provided, multiple submitters, no conflicts (2 of 4 stars). 4 submissions from 4 submitters: Likely benign (3). 1 of the submissions does not count toward it. Last evaluated 2025-12-07.

Conditions:
NAA15-related disorder.

gnomAD v4.1: 93 of 1,611,214 alleles (0.0058%); highest among the groups gnomAD compares: Non-Finnish European, 0.0074%; no homozygotes.

Submissions (4):

Labcorp Genetics (formerly Invitae), Labcorp
Classification: Likely benign. Last evaluated: 2025-12-07. Review status: criteria provided, single submitter. Criteria: Invitae Variant Classification Sherloc (09022015). Collection method: clinical testing. Allele origin: germline.

CeGaT Center for Human Genetics Tuebingen
Classification: Likely benign. Last evaluated: 2024-12-01. Review status: criteria provided, single submitter. Criteria: CeGaT Center For Human Genetics Tuebingen Variant Classification Criteria Version 2. Collection method: clinical testing. Allele origin: germline. Affected: yes. Observed: 1 variant allele.
Comment: NAA15: BP4, BP7

Blueprint Genetics
Classification: Likely benign. Last evaluated: 2023-02-13. Review status: criteria provided, single submitter. Criteria: ACMG Guidelines, 2015. Collection method: clinical testing. Allele origin: germline.

PreventionGenetics, part of Exact Sciences
Classification: Likely benign for NAA15-related condition. Last evaluated: 2019-06-24. Review status: no assertion criteria provided. Collection method: clinical testing. Allele origin: germline. Not counted in ClinVar's aggregate classification.
Comment: This variant is classified as likely benign based on ACMG/AMP sequence variant interpretation guidelines (Richards et al. 2015 PMID: 25741868, with internal and published modifications).

NM_057175.5(NAA15):c.2356T>C (p.Leu786=)

Gene: NAA15 (N-alpha-acetyltransferase 15, NatA auxiliary subunit; plus strand). Cytogenetic location: 4q31.1.
Variant type: single nucleotide variant.
Coding change: c.2356T>C on transcript NM_057175.5 (MANE Select); coding-DNA position 2356, T replaced by C.
Protein change: p.Leu786=; no amino-acid change (leucine 786 retained).
Molecular consequence: synonymous variant.
Genome position (GRCh38, 1-based): chr4:139,386,186, T>C. VCF-style: chr4-139386186-T-C. GRCh37 (hg19) VCF-style: chr4-140307340-T-C.
Other names: c.2353T>C, p.Leu785= (NM_001410842.1); c.*765T>C (NM_025085.2); c.2356T>C (NM_057175.3).
Identifiers: ClinVar variation 2756234 (VCV002756234.19), dbSNP rs569154393, ClinGen allele CA3083829.